The following is an entry in ClinVar:

ClinVar aggregate classification (germline): Pathogenic (1 of 4 stars; one submission).

Allele frequency attached by ClinVar (database versions not stated): gnomAD exomes below 0.00001; ExAC 0.00001.

Submission:

GeneDx
Classification: Pathogenic. Last evaluated: 2017-05-17. Review status: criteria provided, single submitter. Criteria: GeneDx Variant Classification (06012015). Collection method: clinical testing. Allele origin: germline. Affected: yes.
Comment: The E1261X variant in the SCN4A gene has been reported previously to our knowledge. This variant is predicted to cause loss of normal protein function either through protein truncation or nonsense-mediated mRNA decay. The E1261X variant is not observed at any significant frequency in large population cohorts (Lek et al., 2016; 1000 Genomes Consortium et al., 2015; Exome Variant Server). We interpret E1261X as a pathogenic variant.

NM_000334.4(SCN4A):c.3781G>T (p.Glu1261Ter)

Genes: GH-LCR (growth hormone locus control region; plus strand), SCN4A (sodium voltage-gated channel alpha subunit 4; minus strand). Cytogenetic location: 17q23.3.
Variant type: single nucleotide variant.
Coding change: c.3781G>T on transcript NM_000334.4 (MANE Select); coding-DNA position 3781, G replaced by T.
Protein change: p.Glu1261Ter; replaces glutamic acid 1261 with a stop codon.
Molecular consequence: nonsense.
Genome position (GRCh38, 1-based): chr17:63,944,804, C>A on the plus strand (G>T on the coding strand, the complement: SCN4A is on the minus strand). VCF-style: chr17-63944804-C-A. GRCh37 (hg19) VCF-style: chr17-62022164-C-A.
Other names: short protein forms E1261*.
Identifiers: ClinVar variation 429888 (VCV000429888.2), dbSNP rs752611838, ClinGen allele CA8709137.